The following is an entry in ClinVar:

ClinVar aggregate classification (germline): Uncertain significance. Review status: criteria provided, multiple submitters, no conflicts (2 of 4 stars). 2 submissions from 2 submitters: Uncertain significance (2). Last evaluated 2026-06-03.

Conditions:
RYR1-related disorder. Also called: RYR1-related condition; RYR1-related disorders. Identifiers: MedGen CN239331.

Submissions (2):

GeneDx
Classification: Uncertain significance. Last evaluated: 2026-06-03. Review status: criteria provided, single submitter. Criteria: GeneDx Variant Classification Process June 2021. Collection method: clinical testing. Allele origin: germline.
Comment: Reported in a child with congenital myopathy who also harbored a second RYR1 variant of uncertain significance, phase unknown (PMID: 33333461); Not observed at significant frequency in large population cohorts (gnomAD); In silico analysis supports that this missense variant has a deleterious effect on protein structure/function; This variant is associated with the following publications: (PMID: 20681998, 33767344, 33333461)

Labcorp Genetics (formerly Invitae), Labcorp
Classification: Uncertain significance for RYR1-related disorder. Last evaluated: 2023-11-07. Review status: criteria provided, single submitter. Criteria: Invitae Variant Classification Sherloc (09022015). Collection method: clinical testing. Allele origin: germline.
Comment: This sequence change replaces cysteine, which is neutral and slightly polar, with tyrosine, which is neutral and polar, at codon 4877 of the RYR1 protein (p.Cys4877Tyr). This variant is not present in population databases (gnomAD no frequency). This missense change has been observed in individual(s) with clinical features of RYR1-related conditions (PMID: 33333461). ClinVar contains an entry for this variant (Variation ID: 1966102). Advanced modeling of protein sequence and biophysical properties (such as structural, functional, and spatial information, amino acid conservation, physicochemical variation, residue mobility, and thermodynamic stability) performed at Invitae indicates that this missense variant is expected to disrupt RYR1 protein function with a positive predictive value of 95%. In summary, the available evidence is currently insufficient to determine the role of this variant in disease. Therefore, it has been classified as a Variant of Uncertain Significance.

Literature cited by the submitters: PubMed 33333461 (cited by Labcorp Genetics (formerly Invitae), Labcorp).

NM_000540.3(RYR1):c.14630G>A (p.Cys4877Tyr)

Gene: RYR1 (ryanodine receptor 1; plus strand). Cytogenetic location: 19q13.2.
Variant type: single nucleotide variant.
Coding change: c.14630G>A on transcript NM_000540.3 (MANE Select); coding-DNA position 14630, G replaced by A.
Protein change: p.Cys4877Tyr; replaces cysteine 4877 with tyrosine.
Molecular consequence: missense variant.
Genome position (GRCh38, 1-based): chr19:38,580,488, G>A. VCF-style: chr19-38580488-G-A. GRCh37 (hg19) VCF-style: chr19-39071128-G-A.
Other names: c.14615G>A, p.Cys4872Tyr (NM_001042723.2); short protein forms C4872Y, C4877Y.
Identifiers: ClinVar variation 1966102 (VCV001966102.8), dbSNP rs2514752675, ClinGen allele CA405688080.